The following is an entry in ClinVar:

ClinVar aggregate classification (germline): Uncertain significance (1 of 4 stars; one submission).

Allele frequency attached by ClinVar (database versions not stated): gnomAD exomes below 0.00001; gnomAD 0.00001; TOPMed 0.00001.
gnomAD v4.1: 4 of 1,613,940 alleles (0.00025%); highest among the groups gnomAD compares: South Asian, 0.0044%; no homozygotes.

Submission:

Labcorp Genetics (formerly Invitae), Labcorp
Classification: Uncertain significance. Last evaluated: 2022-11-23. Review status: criteria provided, single submitter. Criteria: Invitae Variant Classification Sherloc (09022015). Collection method: clinical testing. Allele origin: germline.
Comment: In summary, the available evidence is currently insufficient to determine the role of this variant in disease. Therefore, it has been classified as a Variant of Uncertain Significance. Algorithms developed to predict the effect of missense changes on protein structure and function (SIFT, PolyPhen-2, Align-GVGD) all suggest that this variant is likely to be tolerated. This variant has not been reported in the literature in individuals affected with KIF20A-related conditions. This variant is present in population databases (no rsID available, gnomAD 0.003%). This sequence change replaces glycine, which is neutral and non-polar, with arginine, which is basic and polar, at codon 4 of the KIF20A protein (p.Gly4Arg).

NM_005733.3(KIF20A):c.10G>C (p.Gly4Arg)

Gene: KIF20A (kinesin family member 20A; plus strand). Cytogenetic location: 5q31.2.
Variant type: single nucleotide variant.
Coding change: c.10G>C on transcript NM_005733.3 (MANE Select); coding-DNA position 10, G replaced by C.
Protein change: p.Gly4Arg; replaces glycine 4 with arginine.
Molecular consequence: missense variant.
Genome position (GRCh38, 1-based): chr5:138,179,690, G>C. VCF-style: chr5-138179690-G-C. GRCh37 (hg19) VCF-style: chr5-137515379-G-C.
Other names: short protein forms G4R.
Identifiers: ClinVar variation 2803137 (VCV002803137.3), dbSNP rs1326783082, ClinGen allele CA361111187.